The following is an entry in ClinVar:

NM_000230.3(LEP):c.429G>A (p.Glu143=)

Gene: LEP (leptin; plus strand). Cytogenetic location: 7q32.1.
Variant type: single nucleotide variant.
Coding change: c.429G>A on transcript NM_000230.3 (MANE Select); coding-DNA position 429, G replaced by A.
Protein change: p.Glu143=; no amino-acid change (glutamic acid 143 retained).
Molecular consequence: synonymous variant.
Genome position (GRCh38, 1-based): chr7:128,254,688, G>A. VCF-style: chr7-128254688-G-A. GRCh37 (hg19) VCF-style: chr7-127894741-G-A.
Other names: c.429G>A (NM_000230.2).
Identifiers: ClinVar variation 2132136 (VCV002132136.6), dbSNP rs1213817089, ClinGen allele CA457857514.

ClinVar aggregate classification (germline): Likely benign. Review status: criteria provided, single submitter (1 of 4 stars). 2 submissions from 2 submitters: Likely benign (1). 1 of the submissions does not count toward it. Last evaluated 2023-11-27.

Conditions:
LEP-related disorder. Also called: LEP-related condition.

Allele frequency attached by ClinVar (database versions not stated): TOPMed below 0.00001; gnomAD 0.00001.
gnomAD v4.1: 9 of 1,613,892 alleles (0.00056%); highest among the groups gnomAD compares: East Asian, 0.0022%; no homozygotes.

Submissions (2):

Labcorp Genetics (formerly Invitae), Labcorp
Classification: Likely benign. Last evaluated: 2023-11-27. Review status: criteria provided, single submitter. Criteria: Invitae Variant Classification Sherloc (09022015). Collection method: clinical testing. Allele origin: germline.

PreventionGenetics, part of Exact Sciences
Classification: Likely benign for LEP-related condition. Last evaluated: 2020-12-31. Review status: no assertion criteria provided. Collection method: clinical testing. Allele origin: germline. Not counted in ClinVar's aggregate classification.
Comment: This variant is classified as likely benign based on ACMG/AMP sequence variant interpretation guidelines (Richards et al. 2015 PMID: 25741868, with internal and published modifications).